The following is an entry in ClinVar:

ClinVar aggregate classification (germline): Uncertain significance (1 of 4 stars; one submission).

Conditions:
Hereditary cancer-predisposing syndrome. Also called: Neoplastic Syndromes, Hereditary; Tumor predisposition; Hereditary neoplastic syndrome; Hereditary Cancer Syndrome. Identifiers: Orphanet 140162, MedGen C0027672, MeSH D009386, MONDO:0015356.

Submission:

Ambry Genetics
Classification: Uncertain significance for Hereditary cancer-predisposing syndrome. Last evaluated: 2026-07-07. Review status: criteria provided, single submitter. Criteria: Ambry Variant Classification Scheme 2023. Collection method: clinical testing. Allele origin: germline.
Comment: The p.L356W variant (also known as c.1067T>G), located in coding exon 7 of the FH gene, results from a T to G substitution at nucleotide position 1067. The leucine at codon 356 is replaced by tryptophan, an amino acid with similar properties. This amino acid position is conserved. In addition, this alteration is predicted to be deleterious by in silico analysis. Based on the available evidence, the clinical significance of this variant remains unclear.

NM_000143.4(FH):c.1067T>G (p.Leu356Trp)

Gene: FH (fumarate hydratase; minus strand). Cytogenetic location: 1q43.
Variant type: single nucleotide variant.
Coding change: c.1067T>G on transcript NM_000143.4 (MANE Select); coding-DNA position 1067, T replaced by G.
Protein change: p.Leu356Trp; replaces leucine 356 with tryptophan.
Molecular consequence: missense variant.
Genome position (GRCh38, 1-based): chr1:241,504,083, A>C on the plus strand (T>G on the coding strand, the complement: FH is on the minus strand). VCF-style: chr1-241504083-A-C. GRCh37 (hg19) VCF-style: chr1-241667383-A-C.
Other names: short protein forms L356W.
Identifiers: ClinVar variation 5021759 (VCV005021759.1).
Genomic context (GRCh38, chr1:241,504,083, plus strand): 5'-TTACTAGCTATGTGATTACCTGGCATGATACTGCTTCCTGGTTCATTTTCAGGCAAGATC[A>C]ATTCTCCCAGACCTGACCGAGGACCAGAACCCAAAAATCGAATATCATTTGCTATCTTCA-3'
Protein context (NP_000134.2, residues 346-366): GSGPRSGLGE[Leu356Trp]ILPENEPGSS